The following is an entry in ClinVar:

ClinVar aggregate classification (germline): Conflicting classifications of pathogenicity. Review status: criteria provided, conflicting classifications (1 of 4 stars). 6 submissions from 5 submitters: Uncertain significance (2); Likely benign (3). 1 of the submissions does not count toward it. Last evaluated 2025-11-27.

Conditions:
RYR1-related disorder. Also called: RYR1-related condition; RYR1-related disorders. Identifiers: MedGen CN239331.
Congenital multicore myopathy with external ophthalmoplegia (CMYO1B). Also called: MULTICORE MYOPATHY; Minicore myopathy with external ophthalmoplegia; Congenital myopathy 1B, autosomal recessive; Minicore myopathy; MULTIMINICORE DISEASE WITH EXTERNAL OPHTHALMOPLEGIA. Identifiers: Orphanet 598, Orphanet 98905, MedGen C1850674, MONDO:0009712, OMIM 255320, HP:0003789.
Malignant hyperthermia, susceptibility to, 1 (MHS1). Also called: Anesthesia related hyperthermia; Malignant hyperpyrexia; Fulminating hyperpyrexia; Pharmacogenic myopathy; RYR1-Related Malignant Hyperthermia Susceptibility; Malignant hyperthermia suceptibility 1. Identifiers: Orphanet 423, MedGen C2930980, MONDO:0007783, OMIM 145600.

Allele frequency attached by ClinVar (database versions not stated): TOPMed below 0.00001; gnomAD 0.00001; gnomAD exomes 0.00002; ExAC 0.00008.
gnomAD v4.1: 31 of 1,594,030 alleles (0.0019%); highest among the groups gnomAD compares: South Asian, 0.018%; no homozygotes.

Submissions (6):

Labcorp Genetics (formerly Invitae), Labcorp
Classification: Likely benign for RYR1-related disorder. Last evaluated: 2025-11-27. Review status: criteria provided, single submitter. Criteria: Invitae Variant Classification Sherloc (09022015). Collection method: clinical testing. Allele origin: germline.

All of Us Research Program, National Institutes of Health
Classification: Likely benign for Malignant hyperthermia, susceptibility to, 1. Last evaluated: 2023-12-13. Review status: criteria provided, single submitter. Criteria: ACMG Guidelines, 2015. Collection method: clinical testing. Allele origin: germline. Inheritance: Autosomal dominant inheritance. Observed: 2 variant alleles, 2 heterozygotes.
Comment: This variant is located in the RYR1 protein. To our knowledge, functional studies have not been reported for this variant. This variant has not been reported in individuals affected with RYR1-related disorders in the literature. This variant has been identified in 5/218158 chromosomes in the general population by the Genome Aggregation Database (gnomAD). The available evidence is insufficient to determine the role of this variant in disease conclusively. Therefore, this variant is classified as a Variant of Uncertain Significance.

This study involves interpretation of variants in research participants for the purpose of population health screening. Participant phenotype was not available at the time of variant classification. Additional details can be found in publication PMID: 35346344, PMCID: PMC8962531

Color Diagnostics, LLC DBA Color Health
Classification: Likely benign for Malignant hyperthermia, susceptibility to, 1. Last evaluated: 2023-11-15. Review status: criteria provided, single submitter. Criteria: ACMG Guidelines, 2015. Collection method: clinical testing. Allele origin: germline.

Illumina Laboratory Services, Illumina
Classification: Uncertain significance for Malignant hyperthermia, susceptibility to, 1. Last evaluated: 2018-01-13. Review status: criteria provided, single submitter. Criteria: ICSL Variant Classification Criteria 13 December 2019. Collection method: clinical testing. Allele origin: germline.

Illumina Laboratory Services, Illumina
Classification: Uncertain significance for Congenital multicore myopathy with external ophthalmoplegia. Last evaluated: 2018-01-13. Review status: criteria provided, single submitter. Criteria: ICSL Variant Classification Criteria 13 December 2019. Collection method: clinical testing. Allele origin: germline.

PreventionGenetics, part of Exact Sciences
Classification: Likely benign for RYR1-related condition. Last evaluated: 2024-08-07. Review status: no assertion criteria provided. Collection method: clinical testing. Allele origin: germline. Not counted in ClinVar's aggregate classification.
Comment: This variant is classified as likely benign based on ACMG/AMP sequence variant interpretation guidelines (Richards et al. 2015 PMID: 25741868, with internal and published modifications).

NM_000540.3(RYR1):c.2823G>A (p.Ala941=)

Gene: RYR1 (ryanodine receptor 1; plus strand). Cytogenetic location: 19q13.2.
Variant type: single nucleotide variant.
Coding change: c.2823G>A on transcript NM_000540.3 (MANE Select); coding-DNA position 2823, G replaced by A.
Protein change: p.Ala941=; no amino-acid change (alanine 941 retained).
Molecular consequence: synonymous variant.
Genome position (GRCh38, 1-based): chr19:38,464,675, G>A. VCF-style: chr19-38464675-G-A. GRCh37 (hg19) VCF-style: chr19-38955315-G-A.
Other names: c.2823G>A, p.Ala941= (NM_001042723.2).
Identifiers: ClinVar variation 329000 (VCV000329000.15), dbSNP rs750305530, ClinGen allele CA064080.
Genomic context (GRCh38, chr19:38,464,675, plus strand): 5'-TCGCCTCCACTCCCCCACCCCCAGGACTCTGCTGGCTCTGGGCTGCCACGTGGGCATGGC[G>A]GATGAGAAGGCGGAGGACAACCTGAAGAAGACAAAACTCCCCAAGACGTGAGTGTGGGCA-3'
Protein context (NP_000531.2, residues 931-951): LLALGCHVGM[Ala941=]DEKAEDNLKK